The following is an entry in ClinVar:

ClinVar aggregate classification (germline): Benign (0 of 4 stars; one submission).

Conditions:
CELSR3-related disorder. Also called: CELSR3-related condition.

Allele frequency attached by ClinVar (database versions not stated): TOPMed 0.00032; 1000 Genomes Project 30x 0.00187; 1000 Genomes Project 0.00220.
gnomAD v4.1: 413 of 1,612,548 alleles (0.026%); highest among the groups gnomAD compares: East Asian, 0.76%; 2 homozygotes.

Submission:

PreventionGenetics, part of Exact Sciences
Classification: Benign for CELSR3-related condition. Last evaluated: 2020-06-29. Review status: no assertion criteria provided. Collection method: clinical testing. Allele origin: germline.
Comment: This variant is classified as benign based on ACMG/AMP sequence variant interpretation guidelines (Richards et al. 2015 PMID: 25741868, with internal and published modifications).

NM_001407.3(CELSR3):c.8969C>G (p.Pro2990Arg)

Gene: CELSR3 (cadherin EGF LAG seven-pass G-type receptor 3; minus strand). Cytogenetic location: 3p21.31.
Variant type: single nucleotide variant.
Coding change: c.8969C>G on transcript NM_001407.3 (MANE Select); coding-DNA position 8969, C replaced by G.
Protein change: p.Pro2990Arg; replaces proline 2990 with arginine.
Molecular consequence: missense variant.
Genome position (GRCh38, 1-based): chr3:48,641,380, G>C on the plus strand (C>G on the coding strand, the complement: CELSR3 is on the minus strand). VCF-style: chr3-48641380-G-C. GRCh37 (hg19) VCF-style: chr3-48678813-G-C.
Other names: short protein forms P2990R.
Identifiers: ClinVar variation 3049314 (VCV003049314.2), dbSNP rs138606642, ClinGen allele CA2383688.